The following is an entry in ClinVar:

NM_004870.4(MPDU1):c.309G>A (p.Trp103Ter)

Gene: MPDU1 (mannose-P-dolichol utilization defect 1; plus strand). Cytogenetic location: 17p13.1.
Variant type: single nucleotide variant.
Coding change: c.309G>A on transcript NM_004870.4 (MANE Select); coding-DNA position 309, G replaced by A.
Protein change: p.Trp103Ter; replaces tryptophan 103 with a stop codon.
Molecular consequence: nonsense. On other transcripts: non-coding transcript variant (1).
Genome position (GRCh38, 1-based): chr17:7,586,698, G>A. VCF-style: chr17-7586698-G-A. GRCh37 (hg19) VCF-style: chr17-7490016-G-A.
Other names: c.309G>A, p.Trp103Ter (NM_001330073.1); short protein forms W103*.
Identifiers: ClinVar variation 4884176 (VCV004884176.2).
Genomic context (GRCh38, chr17:7,586,698, plus strand): 5'-TTCCCTGCCTCTTTCTAGGCCCGCCTTTCTTCCTCCCAACTCTTGACTCTGCAGCTCTTG[G>A]GGTGAAGCCTTATTCCTGATGCTCCAGACGATCACCATCTGCTTCCTGGTCATGCACTAC-3'

ClinVar aggregate classification (germline): Likely pathogenic (1 of 4 stars; one submission).

gnomAD v4.1: 1 of 1,614,112 alleles (0.000062%); highest among the groups gnomAD compares: African/African-American, 0.0013%; no homozygotes.

Submission:

Dasa
Classification: Likely pathogenic. Last evaluated: 2025-05-19. Review status: criteria provided, single submitter. Criteria: DASA Assertion Criteria. Collection method: clinical testing. Allele origin: germline.
Comment: NM_004870.4(MPDU1):c.309G>A (p.Trp103*) is a nonsense variant in MPDU1 predicted to introduce a premature termination codon and is predicted to result in an absent or altered protein product. Loss of function is an established disease mechanism for MPDU1-associated disorders. Also, this variant is rare in population databases. Based on the currently available evidence, this variant is classified as likely pathogenic.